The following is an entry in ClinVar:

ClinVar aggregate classification (germline): Uncertain significance (1 of 4 stars; one submission).

Submission:

GeneDx
Classification: Uncertain significance. Last evaluated: 2024-09-05. Review status: criteria provided, single submitter. Criteria: GeneDx Variant Classification Process June 2021. Collection method: clinical testing. Allele origin: germline. Affected: yes.
Comment: Not observed at significant frequency in large population cohorts (gnomAD); In silico analysis indicates that this missense variant does not alter protein structure/function; Has not been previously published as pathogenic or benign to our knowledge

NM_024757.5(EHMT1):c.2977A>C (p.Lys993Gln)

Gene: EHMT1 (euchromatic histone lysine methyltransferase 1; plus strand). Cytogenetic location: 9q34.3.
Variant type: single nucleotide variant.
Coding change: c.2977A>C on transcript NM_024757.5 (MANE Select); coding-DNA position 2977, A replaced by C.
Protein change: p.Lys993Gln; replaces lysine 993 with glutamine.
Molecular consequence: missense variant.
Genome position (GRCh38, 1-based): chr9:137,813,115, A>C. VCF-style: chr9-137813115-A-C. GRCh37 (hg19) VCF-style: chr9-140707567-A-C.
Other names: c.2956A>C, p.Lys986Gln (NM_001354263.2); short protein forms K986Q, K993Q.
Identifiers: ClinVar variation 3767428 (VCV003767428.1).
Genomic context (GRCh38, chr9:137,813,115, plus strand): 5'-GAGACGCCCCTGCAGTGTGCGAGCCTCAACTCTCAGGTGTGGAGCGCTCTGCAGATGAGC[A>C]AGGCTCTGCAGGACTCGGCCCCCGACAGGCCCAGCCCCGTGGAGAGGATAGTGAGCAGGT-3'
Protein context (NP_079033.4, residues 983-1003): SQVWSALQMS[Lys993Gln]ALQDSAPDRP